The following is an entry in ClinVar:

ClinVar aggregate classification (germline): Likely benign (1 of 4 stars; one submission).

Conditions:
TSHZ3-related disorder. Also called: TSHZ3-related condition.

gnomAD v4.1: 1,649 of 1,611,292 alleles (0.1%); highest among the groups gnomAD compares: Non-Finnish European, 0.13%; 3 homozygotes.

Submission:

PreventionGenetics, part of Exact Sciences
Classification: Likely benign for TSHZ3-related condition. Last evaluated: 2026-01-21. Review status: criteria provided, single submitter. Criteria: ACMG Guidelines, 2015. Collection method: clinical testing. Allele origin: germline.
Comment: This variant is classified as likely benign based on ACMG/AMP sequence variant interpretation guidelines (Richards et al. 2015 PMID: 25741868, with internal and published modifications).

NM_020856.4(TSHZ3):c.3162C>T (p.His1054=)

Gene: TSHZ3 (teashirt zinc finger homeobox 3; minus strand). Cytogenetic location: 19q12.
Variant type: single nucleotide variant.
Coding change: c.3162C>T on transcript NM_020856.4 (MANE Select); coding-DNA position 3162, C replaced by T.
Protein change: p.His1054=; no amino-acid change (histidine 1054 retained).
Molecular consequence: synonymous variant.
Genome position (GRCh38, 1-based): chr19:31,276,631, G>A on the plus strand (C>T on the coding strand, the complement: TSHZ3 is on the minus strand). VCF-style: chr19-31276631-G-A. GRCh37 (hg19) VCF-style: chr19-31767537-G-A.
Identifiers: ClinVar variation 4980179 (VCV004980179.1).
Genomic context (GRCh38, chr19:31,276,631, plus strand): 5'-ATACAGAAGGTGGTCTTCCGGAGATTTCCCGTGTGTTTTGCTAAGGTGAAGTTTAACAGC[G>A]TGCTTGCTGGCAAAGGTCCGATTGCAAAGTTTGCACTGATAGGAAGTCCCCAGGTCTTCC-3'
Protein context (NP_065907.2, residues 1044-1064): KLCNRTFASK[His1054=]AVKLHLSKTH